The following is an entry in ClinVar:

NM_001371623.1(TCOF1):c.2021C>G (p.Ser674Cys)

Gene: TCOF1 (treacle ribosome biogenesis factor 1; plus strand). Cytogenetic location: 5q32.
Variant type: single nucleotide variant.
Coding change: c.2021C>G on transcript NM_001371623.1 (MANE Select); coding-DNA position 2021, C replaced by G.
Protein change: p.Ser674Cys; replaces serine 674 with cysteine.
Molecular consequence: missense variant.
Genome position (GRCh38, 1-based): chr5:150,376,209, C>G. VCF-style: chr5-150376209-C-G. GRCh37 (hg19) VCF-style: chr5-149755772-C-G.
Other names: c.1790C>G, p.Ser597Cys (NM_000356.4, NM_001135245.2); c.2021C>G, p.Ser674Cys (NM_001008657.3, NM_001135243.2, NM_001135244.2 and 1 more transcripts); short protein forms S597C, S674C.
Identifiers: ClinVar variation 3673565 (VCV003673565.2).

ClinVar aggregate classification (germline): Uncertain significance (1 of 4 stars; one submission).

Conditions:
Treacher Collins syndrome 1 (TCS1). Also called: TCOF1-Related Treacher Collins Syndrome. Identifiers: Orphanet 861, MedGen CN315775, MONDO:0007944, OMIM 154500.

gnomAD v4.1: 7 of 1,614,118 alleles (0.00043%); highest among the groups gnomAD compares: African/African-American, 0.0093%; no homozygotes.

Submission:

Labcorp Genetics (formerly Invitae), Labcorp
Classification: Uncertain significance for Treacher Collins syndrome 1. Last evaluated: 2025-04-26. Review status: criteria provided, single submitter. Criteria: Invitae Variant Classification Sherloc (09022015). Collection method: clinical testing. Allele origin: germline.
Comment: This sequence change replaces serine, which is neutral and polar, with cysteine, which is neutral and slightly polar, at codon 674 of the TCOF1 protein (p.Ser674Cys). This variant is present in population databases (no rsID available, gnomAD 0.007%). This variant has not been reported in the literature in individuals affected with TCOF1-related conditions. ClinVar contains an entry for this variant (Variation ID: 3673565). Invitae Evidence Modeling of protein sequence and biophysical properties (such as structural, functional, and spatial information, amino acid conservation, physicochemical variation, residue mobility, and thermodynamic stability) indicates that this missense variant is not expected to disrupt TCOF1 protein function with a negative predictive value of 80%. In summary, the available evidence is currently insufficient to determine the role of this variant in disease. Therefore, it has been classified as a Variant of Uncertain Significance.